The following is an entry in ClinVar:

NM_021828.5(HPSE2):c.1320+5G>A

Gene: HPSE2 (heparanase 2 (inactive); minus strand). Cytogenetic location: 10q24.2.
Variant type: single nucleotide variant.
Coding change: c.1320+5G>A on transcript NM_021828.5 (MANE Select); 5 bases into the intron after coding-DNA position 1320, G replaced by A.
Molecular consequence: intron variant.
Genome position (GRCh38, 1-based): chr10:98,614,899, C>T on the plus strand (G>A on the coding strand, the complement: HPSE2 is on the minus strand). VCF-style: chr10-98614899-C-T. GRCh37 (hg19) VCF-style: chr10-100374656-C-T.
Other names: c.984+5G>A (NM_001166245.1); c.1146+5G>A (NM_001166244.1); c.1320+5G>A (NM_001166246.1).
Identifiers: ClinVar variation 3589466 (VCV003589466.2).
Genomic context (GRCh38, chr10:98,614,899, plus strand): 5'-CAAGGCATGATCAAAAGAACTGAATGACATGGAAAAGGGATTGGGAATCTTTATCCCACA[C>T]TTACTGGTAATGGGTTAAAATTCTGGTCCACGAGGTGATTGTATCCATGGTCAAAAAATG-3'

ClinVar aggregate classification (germline): Conflicting classifications of pathogenicity. Review status: criteria provided, conflicting classifications (1 of 4 stars). 2 submissions from 2 submitters: Likely pathogenic (1); Uncertain significance (1). Last evaluated 2025-01-29.

Conditions:
Urofacial syndrome type 1. Also called: HPSE2-Related Urofacial Syndrome. Identifiers: Orphanet 2704, MedGen CN033872, MONDO:0009368, OMIM 236730.

gnomAD v4.1: 6 of 1,577,860 alleles (0.00038%); highest among the groups gnomAD compares: Non-Finnish European, 0.00052%; no homozygotes.

Submissions (2):

Victorian Clinical Genetics Services, Murdoch Childrens Research Institute
Classification: Likely pathogenic for Urofacial syndrome type 1. Last evaluated: 2025-01-29. Review status: criteria provided, single submitter. Criteria: ACMG Guidelines, 2015. Collection method: clinical testing. Allele origin: germline. Affected: yes.
Comment: This variant is classified as Likely pathogenic. Evidence in support of pathogenic classification: Non-canonical splice site variant without proven consequence on splicing (no functional evidence available); Variant is present in gnomAD <0.01 for a recessive condition (v4: 6 heterozygote(s), 0 homozygote(s)); Abnormal splicing is predicted by in silico tool and affected nucleotide is highly conserved; Heterozygous variant detected in trans with a PATHOGENIC heterozygous variant (NM_021828.5:c.1465_1466del; p.(Asn489Profs*126)) in a recessive disease. Additional information: This variant is heterozygous; This gene is associated with autosomal recessive disease; This variant has no previous evidence of pathogenicity; No published segregation evidence has been identified for this variant; No published functional evidence has been identified for this variant; No comparable splice variants have previous evidence for pathogenicity; Loss of function is a known mechanism of disease in this gene and is associated with urofacial syndrome 1 (MIM#236730); Variants in this gene are known to have variable expressivity. Clinical variability has been observed between individuals with urofacial syndrome who harbour the same variant (PMID: 20560210, 21332471).

Fulgent Genetics
Classification: Uncertain significance for Urofacial syndrome type 1. Last evaluated: 2024-06-10. Review status: criteria provided, single submitter. Criteria: ACMG Guidelines, 2015. Collection method: clinical testing. Allele origin: germline.

Literature cited by the submitters: PubMed 21332471 (cited by Victorian Clinical Genetics Services, Murdoch Childrens Research Institute); PubMed 20560210 (cited by Victorian Clinical Genetics Services, Murdoch Childrens Research Institute).